The following is an entry in ClinVar:

ClinVar aggregate classification (germline): Benign/Likely benign. Review status: criteria provided, multiple submitters, no conflicts (2 of 4 stars). 12 submissions from 10 submitters: Benign (7); Likely benign (2). 3 of the submissions do not count toward it. Last evaluated 2026-01-31.

Conditions:
Inborn genetic diseases. Identifiers: MedGen C0950123, MeSH D030342.
Transitory neonatal diabetes mellitus. Also called: Transient neonatal diabetes mellitus. Identifiers: MedGen C0342273, MONDO:0020525, HP:0008255.
Hereditary hyperinsulinism.
Maturity-onset diabetes of the young (MODY). Also called: Maturity onset diabetes mellitus in young. Identifiers: Orphanet 552, MedGen C0342276, MONDO:0018911, HP:0004904.
Diabetes mellitus, transient neonatal, 2 (TNDM2). Identifiers: Orphanet 99886, MedGen C1835887, MONDO:0012480, OMIM 610374. Disease mechanism: loss of function.
Permanent neonatal diabetes mellitus (PNDM). Identifiers: Orphanet 99885, MedGen C1833104, MONDO:0100164, MONDO:0011643. Disease mechanism: gain of function.

Allele frequency attached by ClinVar (database versions not stated): gnomAD exomes 0.00044 and 0.00107; ExAC 0.00124; 1000 Genomes Project 0.00280; 1000 Genomes Project 30x 0.00281; gnomAD 0.00459 and 0.00497; ESP Exome Variant Server 0.00501; TOPMed 0.00527.
gnomAD v4.1: 1,390 of 1,613,816 alleles (0.086%); highest among the groups gnomAD compares: African/African-American, 1.6%; 17 homozygotes.

Submissions (12):

Labcorp Genetics (formerly Invitae), Labcorp
Classification: Benign. Last evaluated: 2026-01-31. Review status: criteria provided, single submitter. Criteria: Invitae Variant Classification Sherloc (09022015). Collection method: clinical testing. Allele origin: germline.

Women's Health and Genetics/Laboratory Corporation of America, LabCorp
Classification: Likely benign. Last evaluated: 2023-08-10. Review status: criteria provided, single submitter. Criteria: LabCorp Variant Classification Summary - May 2015. Collection method: clinical testing. Allele origin: germline.

Ambry Genetics
Classification: Likely benign for Inborn genetic diseases. Last evaluated: 2022-03-30. Review status: criteria provided, single submitter. Criteria: Ambry Variant Classification Scheme 2023. Collection method: clinical testing. Allele origin: germline.

GeneDx
Classification: Benign. Last evaluated: 2020-08-17. Review status: criteria provided, single submitter. Criteria: GeneDx Variant Classification Process June 2021. Collection method: clinical testing. Allele origin: germline. Affected: yes.

Genetic Services Laboratory, University of Chicago
Classification: Benign. Last evaluated: 2020-02-04. Review status: criteria provided, single submitter. Criteria: ACMG Guidelines, 2015. Collection method: clinical testing. Allele origin: germline. Affected: no.

Illumina Laboratory Services, Illumina
Classification: Benign for Permanent neonatal diabetes mellitus 1. Last evaluated: 2018-01-13. Review status: criteria provided, single submitter. Criteria: ICSL Variant Classification Criteria 13 December 2019. Collection method: clinical testing. Allele origin: germline.
Comment: This variant was observed in the ICSL laboratory as part of a predisposition screen in an ostensibly healthy population. It had not been previously curated by ICSL or reported in the Human Gene Mutation Database (HGMD: prior to June 1st, 2018), and was therefore a candidate for classification through an automated scoring system. Utilizing variant allele frequency, disease prevalence and penetrance estimates, and inheritance mode, an automated score was calculated to assess if this variant is too frequent to cause the disease. Based on the score and internal cut-off values, a variant classified as benign is not then subjected to further curation. The score for this variant resulted in a classification of benign for this disease.

Illumina Laboratory Services, Illumina
Classification: Benign for Diabetes mellitus, transient neonatal, 2. Last evaluated: 2018-01-13. Review status: criteria provided, single submitter. Criteria: ICSL Variant Classification Criteria 13 December 2019. Collection method: clinical testing. Allele origin: germline.
Comment: the same text as in the submission from Illumina Laboratory Services, Illumina above.

Athena Diagnostics
Classification: Benign. Last evaluated: 2016-09-29. Review status: criteria provided, single submitter. Criteria: Athena Diagnostics Criteria. Collection method: clinical testing. Allele origin: germline.

PreventionGenetics, part of Exact Sciences
Classification: Benign. Review status: criteria provided, single submitter. Criteria: ACMG Guidelines, 2015. Collection method: clinical testing. Allele origin: germline.

Natera, Inc.
Classification: Benign for Hereditary hyperinsulinism. Last evaluated: 2020-09-16. Review status: no assertion criteria provided. Collection method: clinical testing. Allele origin: germline. Not counted in ClinVar's aggregate classification.

Clinical Genomics, Uppaluri K&H Personalized Medicine Clinic
Classification: Uncertain significance for Maturity-onset diabetes of the young. Review status: flagged submission. Criteria: K & H Uppaluri Personalized Medicine Clinic Variant Classification & Assertion Criteria_Updated V.1. Collection method: research. Allele origin: somatic. Inheritance: Somatic mutation. Not counted in ClinVar's aggregate classification.
Comment: Mutations in ABCC8 gene are associated with both neonatal diabetes mellitus as well as MODY. Patients with this mutation may have a better response to sulfonylureas. However, no sufficient evidence is found to ascertain the role of this particular variant ( rs113282901) in MODY yet.
ClinVar note: Reason: Outlier claim with insufficient supporting evidence

Clinical Genomics, Uppaluri K&H Personalized Medicine Clinic
Classification: Uncertain significance for Transitory neonatal diabetes mellitus. Review status: flagged submission. Criteria: K & H Uppaluri Personalized Medicine Clinic Variant Classification & Assertion Criteria_Updated V.1. Collection method: research. Allele origin: somatic. Inheritance: Somatic mutation. Not counted in ClinVar's aggregate classification.
Comment: Mutations in ABCC8 gene are associated with both neonatal diabetes mellitus as well as MODY. Patients with this mutation may have a better response to sulfonylureas. However, no sufficient evidence is found to ascertain the role of this particular variant (rs113282901) in neonatal diabetes yet.
ClinVar note: Reason: Outlier claim with insufficient supporting evidence

Literature cited by the submitters: PubMed 18767144 (cited by Athena Diagnostics); PubMed 16885549 (cited by Clinical Genomics, Uppaluri K&H Personalized Medicine Clinic); PubMed 21989597 (cited by Clinical Genomics, Uppaluri K&H Personalized Medicine Clinic); PubMed 27538677 (cited by Clinical Genomics, Uppaluri K&H Personalized Medicine Clinic); PubMed 18981553 (cited by Clinical Genomics, Uppaluri K&H Personalized Medicine Clinic); PubMed 32027066 (cited by Clinical Genomics, Uppaluri K&H Personalized Medicine Clinic); PubMed 16613899 (cited by Clinical Genomics, Uppaluri K&H Personalized Medicine Clinic); PubMed 18025408 (cited by Clinical Genomics, Uppaluri K&H Personalized Medicine Clinic); PubMed 32792356 (cited by Clinical Genomics, Uppaluri K&H Personalized Medicine Clinic).

NM_000352.6(ABCC8):c.4542C>A (p.Ala1514=)

Gene: ABCC8 (ATP binding cassette subfamily C member 8; minus strand). Cytogenetic location: 11p15.1.
Variant type: single nucleotide variant.
Coding change: c.4542C>A on transcript NM_000352.6 (MANE Select); coding-DNA position 4542, C replaced by A.
Protein change: p.Ala1514=; no amino-acid change (alanine 1514 retained).
Molecular consequence: synonymous variant. On other transcripts: non-coding transcript variant (1).
Genome position (GRCh38, 1-based): chr11:17,394,269, G>T on the plus strand (C>A on the coding strand, the complement: ABCC8 is on the minus strand). VCF-style: chr11-17394269-G-T. GRCh37 (hg19) VCF-style: chr11-17415816-G-T.
Other names: c.4545C>A, p.Ala1515= (NM_001287174.3); c.4608C>A, p.Ala1536= (NM_001351295.2); c.4542C>A, p.Ala1514= (NM_001351296.2); c.4539C>A, p.Ala1513= (NM_001351297.2).
Identifiers: ClinVar variation 255932 (VCV000255932.29), dbSNP rs113282901, ClinGen allele CA5902454.